The following is an entry in ClinVar:

NM_000489.6(ATRX):c.1952C>T (p.Ser651Phe)

Gene: ATRX (ATRX chromatin remodeler; minus strand). Cytogenetic location: Xq21.1.
Variant type: single nucleotide variant.
Coding change: c.1952C>T on transcript NM_000489.6 (MANE Select); coding-DNA position 1952, C replaced by T.
Protein change: p.Ser651Phe; replaces serine 651 with phenylalanine.
Molecular consequence: missense variant.
Genome position (GRCh38, 1-based): chrX:77,683,304, G>A on the plus strand (C>T on the coding strand, the complement: ATRX is on the minus strand). VCF-style: chrX-77683304-G-A. GRCh37 (hg19) VCF-style: chrX-76938796-G-A.
Other names: c.1838C>T, p.Ser613Phe (NM_138270.5); short protein forms S613F, S651F.
Identifiers: ClinVar variation 3361026 (VCV003361026.1).

ClinVar aggregate classification (germline): Uncertain significance (1 of 4 stars; one submission).

Submission:

GeneDx
Classification: Uncertain significance. Last evaluated: 2023-07-11. Review status: criteria provided, single submitter. Criteria: GeneDx Variant Classification Process June 2021. Collection method: clinical testing. Allele origin: germline. Affected: yes.
Comment: Not observed at significant frequency in large population cohorts (gnomAD); In silico analysis supports that this missense variant does not alter protein structure/function; Has not been previously published as pathogenic or benign to our knowledge